The following is an entry in ClinVar:

ClinVar aggregate classification (germline): Uncertain significance. Review status: criteria provided, multiple submitters, no conflicts (2 of 4 stars). 2 submissions from 2 submitters: Uncertain significance (2). Last evaluated 2025-11-17.

gnomAD v4.1: 6 of 1,614,122 alleles (0.00037%); highest among the groups gnomAD compares: Non-Finnish European, 0.00051%; no homozygotes.

Submissions (2):

Labcorp Genetics (formerly Invitae), Labcorp
Classification: Uncertain significance. Last evaluated: 2025-11-17. Review status: criteria provided, single submitter. Criteria: Invitae Variant Classification Sherloc (09022015). Collection method: clinical testing. Allele origin: germline.
Comment: This sequence change replaces proline, which is neutral and non-polar, with histidine, which is basic and polar, at codon 1901 of the CACNA1D protein (p.Pro1901His). This variant is not present in population databases (gnomAD no frequency). This variant has not been reported in the literature in individuals affected with CACNA1D-related conditions. ClinVar contains an entry for this variant (Variation ID: 2573658). An algorithm developed to predict the effect of missense changes on protein structure and function (PolyPhen-2) suggests that this variant is likely to be disruptive. In summary, the available evidence is currently insufficient to determine the role of this variant in disease. Therefore, it has been classified as a Variant of Uncertain Significance.

GeneDx
Classification: Uncertain significance. Last evaluated: 2023-01-20. Review status: criteria provided, single submitter. Criteria: GeneDx Variant Classification Process June 2021. Collection method: clinical testing. Allele origin: germline. Affected: yes.
Comment: Not observed at significant frequency in large population cohorts (gnomAD); In silico analysis supports that this missense variant does not alter protein structure/function; Has not been previously published as pathogenic or benign to our knowledge

NM_001128840.3(CACNA1D):c.5642C>A (p.Pro1881His)

Gene: CACNA1D (calcium voltage-gated channel subunit alpha1 D; plus strand). Cytogenetic location: 3p21.1.
Variant type: single nucleotide variant.
Coding change: c.5642C>A on transcript NM_001128840.3 (MANE Select); coding-DNA position 5642, C replaced by A.
Protein change: p.Pro1881His; replaces proline 1881 with histidine.
Molecular consequence: missense variant.
Genome position (GRCh38, 1-based): chr3:53,805,039, C>A. VCF-style: chr3-53805039-C-A. GRCh37 (hg19) VCF-style: chr3-53839066-C-A.
Other names: c.5702C>A, p.Pro1901His (NM_000720.4); c.5570C>A, p.Pro1857His (NM_001128839.3); short protein forms P1857H, P1881H, P1901H.
Identifiers: ClinVar variation 2573658 (VCV002573658.2), dbSNP rs2095555002, ClinGen allele CA353254608.
Genomic context (GRCh38, chr3:53,805,039, plus strand): 5'-CCAGGCAAAACTATGGCTACTACAGCAGATACCCAGGCAGAAACATCGACTCTGAGAGGC[C>A]CCGAGGCTACCATCATCCCCAAGGATTCTTGGAGGACGATGACTCGCCCGTTTGCTATGA-3'
Protein context (NP_001122312.1, residues 1871-1891): YPGRNIDSER[Pro1881His]RGYHHPQGFL